The following is an entry in ClinVar:

NM_002471.4(MYH6):c.2440del (p.Leu814fs)

Gene: MYH6 (myosin heavy chain 6; minus strand). Cytogenetic location: 14q11.2.
Variant type: Deletion.
Coding change: c.2440del on transcript NM_002471.4 (MANE Select); coding-DNA position 2440, one base deleted (C; older notation c.2440delC).
Protein change: p.Leu814fs; shifts the reading frame from leucine 814.
Molecular consequence: frameshift variant.
Genome position (GRCh38, 1-based): chr14:23,394,313, G deleted on the plus strand (C on the coding strand, the reverse complement: MYH6 is on the minus strand). VCF-style (leftmost placement, unchanged base first): chr14-23394312-AG-A. GRCh37 (hg19) VCF-style: chr14-23863521-AG-A.
Other names: short protein forms L814fs.
Identifiers: ClinVar variation 1791329 (VCV001791329.2), dbSNP rs2502172548, ClinGen allele CA2580088015.

ClinVar aggregate classification (germline): Uncertain significance (1 of 4 stars; one submission).

Conditions:
Cardiovascular phenotype. Identifiers: MedGen CN230736.

Submission:

Ambry Genetics
Classification: Uncertain significance for Cardiovascular phenotype. Last evaluated: 2021-08-17. Review status: criteria provided, single submitter. Criteria: Ambry Variant Classification Scheme 2023. Collection method: clinical testing. Allele origin: germline.
Comment: The c.2440delC variant, located in coding exon 19 of the MYH6 gene, results from a deletion of one nucleotide at nucleotide position 2440, causing a translational frameshift with a predicted alternate stop codon (p.L814Wfs*2). This alteration is expected to result in premature protein truncation or nonsense-mediated mRNA decay. However, loss of function of MYH6 has not been clearly established as a mechanism of disease. Since supporting evidence is limited at this time, the clinical significance of this alteration remains unclear.